The following is an entry in ClinVar:

NM_000051.4(ATM):c.5534del (p.Tyr1844_Leu1845insTer)

Gene: ATM (ATM serine/threonine kinase; plus strand). Cytogenetic location: 11q22.3.
Variant type: Deletion.
Coding change: c.5534del on transcript NM_000051.4 (MANE Select); coding-DNA position 5534, one base deleted (T; older notation c.5534delT).
Protein change: p.Tyr1844_Leu1845insTer.
Molecular consequence: nonsense.
Genome position (GRCh38, 1-based): chr11:108,304,712, T deleted; the last of 2 consecutive T bases (chr11:108,304,711-108,304,712); deleting either gives the same sequence. VCF-style (leftmost placement, unchanged base first): chr11-108304710-CT-C. GRCh37 (hg19) VCF-style: chr11-108175437-CT-C.
Other names: c.5534delT (NM_000051.3); c.5534del, p.Tyr1844_Leu1845insTer (NM_001351834.2).
Identifiers: ClinVar variation 546055 (VCV000546055.2), dbSNP rs1555107315, ClinGen allele CA658822135.

ClinVar aggregate classification (germline): Likely pathogenic (1 of 4 stars; one submission).

Submission:

GeneDx
Classification: Likely pathogenic. Last evaluated: 2017-11-01. Review status: criteria provided, single submitter. Criteria: GeneDx Variant Classification (06012015). Collection method: clinical testing. Allele origin: germline. Affected: yes.
Comment: This deletion of one nucleotide is denoted ATM c.5534delT at the cDNA level and p.Leu1845Ter (L1845X) at the protein level. The normal sequence, with the base that is deleted in brackets, is TACT[delT]GATT. The deletion creates a nonsense variant, which changes a Leucine to a premature stop codon. This variant is predicted to cause loss of normal protein function through either protein truncation or nonsense-mediated mRNA decay, and is considered likely pathogenic.